The following is an entry in ClinVar:

ClinVar aggregate classification (germline): Uncertain significance (1 of 4 stars; one submission).

Conditions:
Inborn genetic diseases. Identifiers: MedGen C0950123, MeSH D030342.

Submission:

Ambry Genetics
Classification: Uncertain significance for Inborn genetic diseases. Last evaluated: 2025-04-05. Review status: criteria provided, single submitter. Criteria: Ambry Variant Classification Scheme 2023. Collection method: clinical testing. Allele origin: germline.
Comment: The p.R1195P variant (also known as c.3584G>C), located in coding exon 36 of the FANCA gene, results from a G to C substitution at nucleotide position 3584. The arginine at codon 1195 is replaced by proline, an amino acid with dissimilar properties. This amino acid position is conserved. In addition, this alteration is predicted to be tolerated by in silico analysis. Based on the available evidence, the clinical significance of this variant remains unclear.

NM_000135.4(FANCA):c.3584G>C (p.Arg1195Pro)

Gene: FANCA (FA complementation group A; minus strand). Cytogenetic location: 16q24.3.
Variant type: single nucleotide variant.
Coding change: c.3584G>C on transcript NM_000135.4 (MANE Select); coding-DNA position 3584, G replaced by C.
Protein change: p.Arg1195Pro; replaces arginine 1195 with proline.
Molecular consequence: missense variant.
Genome position (GRCh38, 1-based): chr16:89,745,001, C>G on the plus strand (G>C on the coding strand, the complement: FANCA is on the minus strand). VCF-style: chr16-89745001-C-G. GRCh37 (hg19) VCF-style: chr16-89811409-C-G.
Other names: c.3584G>C, p.Arg1195Pro (NM_001286167.3); short protein forms R1195P.
Identifiers: ClinVar variation 4022153 (VCV004022153.1).